The following is an entry in ClinVar:

ClinVar aggregate classification (germline): Uncertain significance (1 of 4 stars; one submission).

Allele frequency attached by ClinVar (database versions not stated): gnomAD exomes below 0.00001.
gnomAD v4.1: 2 of 1,614,044 alleles (0.00012%); highest among the groups gnomAD compares: Non-Finnish European, 0.00017%; no homozygotes.

Submission:

Labcorp Genetics (formerly Invitae), Labcorp
Classification: Uncertain significance. Last evaluated: 2022-02-19. Review status: criteria provided, single submitter. Criteria: Invitae Variant Classification Sherloc (09022015). Collection method: clinical testing. Allele origin: germline.
Comment: In summary, the available evidence is currently insufficient to determine the role of this variant in disease. Therefore, it has been classified as a Variant of Uncertain Significance. Advanced modeling of protein sequence and biophysical properties (such as structural, functional, and spatial information, amino acid conservation, physicochemical variation, residue mobility, and thermodynamic stability) performed at Invitae indicates that this missense variant is not expected to disrupt CPLANE1 protein function. This variant has not been reported in the literature in individuals affected with CPLANE1-related conditions. This variant is not present in population databases (gnomAD no frequency). This sequence change replaces isoleucine, which is neutral and non-polar, with methionine, which is neutral and non-polar, at codon 1190 of the CPLANE1 protein (p.Ile1190Met).

NM_001384732.1(CPLANE1):c.3570C>G (p.Ile1190Met)

Gene: CPLANE1 (ciliogenesis and planar polarity effector complex subunit 1; minus strand). Cytogenetic location: 5p13.2.
Variant type: single nucleotide variant.
Coding change: c.3570C>G on transcript NM_001384732.1 (MANE Select); coding-DNA position 3570, C replaced by G.
Protein change: p.Ile1190Met; replaces isoleucine 1190 with methionine.
Molecular consequence: missense variant.
Genome position (GRCh38, 1-based): chr5:37,198,804, G>C on the plus strand (C>G on the coding strand, the complement: CPLANE1 is on the minus strand). VCF-style: chr5-37198804-G-C. GRCh37 (hg19) VCF-style: chr5-37198906-G-C.
Other names: c.3570C>G, p.Ile1190Met (NM_023073.4); short protein forms I1190M.
Identifiers: ClinVar variation 2081337 (VCV002081337.2), dbSNP rs1476228796, ClinGen allele CA359511641.